The following is an entry in ClinVar:

ClinVar aggregate classification (germline): Likely pathogenic (1 of 4 stars; one submission).

Conditions:
Pontocerebellar hypoplasia type 1A (PCH1A). Also called: PONTOCEREBELLAR HYPOPLASIA WITH ANTERIOR HORN CELL DISEASE; PONTOCEREBELLAR HYPOPLASIA WITH INFANTILE SPINAL MUSCULAR ATROPHY. Identifiers: Orphanet 2254, Orphanet 88616, MedGen C1843504, MONDO:0011866, OMIM 607596.

Submission:

Labcorp Genetics (formerly Invitae), Labcorp
Classification: Likely pathogenic for Pontocerebellar hypoplasia type 1A. Last evaluated: 2022-12-10. Review status: criteria provided, single submitter. Criteria: Invitae Variant Classification Sherloc (09022015). Collection method: clinical testing. Allele origin: germline.
Comment: This variant is not present in population databases (gnomAD no frequency). In summary, the currently available evidence indicates that the variant is pathogenic, but additional data are needed to prove that conclusively. Therefore, this variant has been classified as Likely Pathogenic. Algorithms developed to predict the effect of sequence changes on RNA splicing suggest that this variant may disrupt the consensus splice site. This variant has not been reported in the literature in individuals affected with VRK1-related conditions. This sequence change affects an acceptor splice site in intron 4 of the VRK1 gene. It is expected to disrupt RNA splicing. Variants that disrupt the donor or acceptor splice site typically lead to a loss of protein function (PMID: 16199547), and loss-of-function variants in VRK1 are known to be pathogenic (PMID: 19646678, 24126608, 27281532).

Literature cited by the submitters: PubMed 16199547; PubMed 19646678; PubMed 24126608; PubMed 27281532.

NM_003384.3(VRK1):c.287-2A>C

Gene: VRK1 (VRK serine/threonine kinase 1; plus strand). Cytogenetic location: 14q32.2.
Variant type: single nucleotide variant.
Coding change: c.287-2A>C on transcript NM_003384.3 (MANE Select); the canonical splice acceptor site of the intron before coding-DNA position 287, A replaced by C.
Molecular consequence: splice acceptor variant.
Genome position (GRCh38, 1-based): chr14:96,847,255, A>C. VCF-style: chr14-96847255-A-C. GRCh37 (hg19) VCF-style: chr14-97313592-A-C.
Other names: c.287-2A>C (NM_001411051.1, NM_001411053.1).
Identifiers: ClinVar variation 2820077 (VCV002820077.3), dbSNP rs2504169004, ClinGen allele CA390929988.